The following is an entry in ClinVar:

NM_002880.4(RAF1):c.1203G>A (p.Arg401=)

Gene: RAF1 (Raf-1 proto-oncogene, serine/threonine kinase; minus strand). Cytogenetic location: 3p25.2.
Variant type: single nucleotide variant.
Coding change: c.1203G>A on transcript NM_002880.4 (MANE Select); coding-DNA position 1203, G replaced by A.
Protein change: p.Arg401=; no amino-acid change (arginine 401 retained).
Molecular consequence: synonymous variant. On other transcripts: non-coding transcript variant (3).
Genome position (GRCh38, 1-based): chr3:12,590,965, C>T on the plus strand (G>A on the coding strand, the complement: RAF1 is on the minus strand). VCF-style: chr3-12590965-C-T. GRCh37 (hg19) VCF-style: chr3-12632464-C-T.
Other names: c.1263G>A, p.Arg421= (NM_001354689.3); c.1203G>A, p.Arg401= (NM_001354690.3); c.960G>A, p.Arg320= (NM_001354691.3, NM_001354692.3); c.1104G>A, p.Arg368= (NM_001354693.3); c.1020G>A, p.Arg340= (NM_001354694.3); c.861G>A, p.Arg287= (NM_001354695.3).
Identifiers: ClinVar variation 3058578 (VCV003058578.2), dbSNP rs2125343614, ClinGen allele CA432273188.

ClinVar aggregate classification (germline): Likely benign (0 of 4 stars; one submission).

Conditions:
RAF1-related disorder. Also called: RAF1-related condition; RAF1-related disorders.

Submission:

PreventionGenetics, part of Exact Sciences
Classification: Likely benign for RAF1-related condition. Last evaluated: 2022-12-20. Review status: no assertion criteria provided. Collection method: clinical testing. Allele origin: germline.
Comment: This variant is classified as likely benign based on ACMG/AMP sequence variant interpretation guidelines (Richards et al. 2015 PMID: 25741868, with internal and published modifications).